The following is an entry in ClinVar:

NM_001481.3(GAS8):c.76A>C (p.Met26Leu)

Gene: GAS8 (growth arrest specific 8; plus strand). Cytogenetic location: 16q24.3.
Variant type: single nucleotide variant.
Coding change: c.76A>C on transcript NM_001481.3 (MANE Select); coding-DNA position 76, A replaced by C.
Protein change: p.Met26Leu; replaces methionine 26 with leucine.
Molecular consequence: missense variant. On other transcripts: 5 prime UTR variant (2), initiator codon variant (1).
Genome position (GRCh38, 1-based): chr16:90,027,708, A>C. VCF-style: chr16-90027708-A-C. GRCh37 (hg19) VCF-style: chr16-90094116-A-C.
Other names: c.-297A>C (NM_001286205.2); c.-569A>C (NM_001286208.2); c.1A>C, p.Met1Leu (NM_001286209.2); short protein forms M26L, M1L.
Identifiers: ClinVar variation 860031 (VCV000860031.8), dbSNP rs142699309, ClinGen allele CA397458582.

ClinVar aggregate classification (germline): Uncertain significance (1 of 4 stars; one submission).

Conditions:
Primary ciliary dyskinesia 33. Also called: CILIARY DYSKINESIA, PRIMARY, 33, WITHOUT SITUS INVERSUS. Identifiers: Orphanet 244, MedGen C4225230, MONDO:0014750, OMIM 616726.

Allele frequency attached by ClinVar (database versions not stated): TOPMed 0.00001.
gnomAD v4.1: 22 of 1,612,314 alleles (0.0014%); highest among the groups gnomAD compares: Non-Finnish European, 0.0019%; no homozygotes.

Submission:

Labcorp Genetics (formerly Invitae), Labcorp
Classification: Uncertain significance for Primary ciliary dyskinesia 33. Last evaluated: 2022-07-05. Review status: criteria provided, single submitter. Criteria: Invitae Variant Classification Sherloc (09022015). Collection method: clinical testing. Allele origin: germline.
Comment: In summary, the available evidence is currently insufficient to determine the role of this variant in disease. Therefore, it has been classified as a Variant of Uncertain Significance. Algorithms developed to predict the effect of missense changes on protein structure and function are either unavailable or do not agree on the potential impact of this missense change (SIFT: "Deleterious"; PolyPhen-2: "Benign"; Align-GVGD: "Class C0"). ClinVar contains an entry for this variant (Variation ID: 860031). This variant has not been reported in the literature in individuals affected with GAS8-related conditions. This variant is present in population databases (no rsID available, gnomAD 0.0009%). This sequence change replaces methionine, which is neutral and non-polar, with leucine, which is neutral and non-polar, at codon 26 of the GAS8 protein (p.Met26Leu).